The following is an entry in ClinVar:

NM_006939.4(SOS2):c.1532C>G (p.Ala511Gly)

Gene: SOS2 (SOS Ras/Rho guanine nucleotide exchange factor 2; minus strand). Cytogenetic location: 14q21.3.
Variant type: single nucleotide variant.
Coding change: c.1532C>G on transcript NM_006939.4 (MANE Select); coding-DNA position 1532, C replaced by G.
Protein change: p.Ala511Gly; replaces alanine 511 with glycine.
Molecular consequence: missense variant.
Genome position (GRCh38, 1-based): chr14:50,159,751, G>C on the plus strand (C>G on the coding strand, the complement: SOS2 is on the minus strand). VCF-style: chr14-50159751-G-C. GRCh37 (hg19) VCF-style: chr14-50626469-G-C.
Other names: c.1433C>G, p.Ala478Gly (NM_001411020.1); short protein forms A478G, A511G.
Identifiers: ClinVar variation 2819209 (VCV002819209.3), dbSNP rs2502989818, ClinGen allele CA389645551.

ClinVar aggregate classification (germline): Uncertain significance (1 of 4 stars; one submission).

Conditions:
Noonan syndrome 9 (NS9). Identifiers: Orphanet 648, MedGen C4225282, MONDO:0014691, OMIM 616559.

Submission:

Labcorp Genetics (formerly Invitae), Labcorp
Classification: Uncertain significance for Noonan syndrome 9. Last evaluated: 2023-02-02. Review status: criteria provided, single submitter. Criteria: Invitae Variant Classification Sherloc (09022015). Collection method: clinical testing. Allele origin: germline.
Comment: Advanced modeling of protein sequence and biophysical properties (such as structural, functional, and spatial information, amino acid conservation, physicochemical variation, residue mobility, and thermodynamic stability) performed at Invitae indicates that this missense variant is not expected to disrupt SOS2 protein function. This sequence change replaces alanine, which is neutral and non-polar, with glycine, which is neutral and non-polar, at codon 511 of the SOS2 protein (p.Ala511Gly). This variant is not present in population databases (gnomAD no frequency). This variant has not been reported in the literature in individuals affected with SOS2-related conditions. In summary, the available evidence is currently insufficient to determine the role of this variant in disease. Therefore, it has been classified as a Variant of Uncertain Significance.